The following is an entry in ClinVar:

ClinVar aggregate classification (germline): Uncertain significance (1 of 4 stars; one submission).

gnomAD v4.1: 2 of 1,612,172 alleles (0.00012%); highest among the groups gnomAD compares: Non-Finnish European, 0.00017%; no homozygotes.

Submission:

Labcorp Genetics (formerly Invitae), Labcorp
Classification: Uncertain significance. Last evaluated: 2024-12-23. Review status: criteria provided, single submitter. Criteria: Invitae Variant Classification Sherloc (09022015). Collection method: clinical testing. Allele origin: germline.
Comment: This sequence change replaces arginine, which is basic and polar, with serine, which is neutral and polar, at codon 753 of the CDH2 protein (p.Arg753Ser). This variant is present in population databases (rs771312999, gnomAD 0.002%). This variant has not been reported in the literature in individuals affected with CDH2-related conditions. An algorithm developed to predict the effect of missense changes on protein structure and function (PolyPhen-2) suggests that this variant is likely to be disruptive. In summary, the available evidence is currently insufficient to determine the role of this variant in disease. Therefore, it has been classified as a Variant of Uncertain Significance.

NM_001792.5(CDH2):c.2257C>A (p.Arg753Ser)

Gene: CDH2 (cadherin 2; minus strand). Cytogenetic location: 18q12.1.
Variant type: single nucleotide variant.
Coding change: c.2257C>A on transcript NM_001792.5 (MANE Select); coding-DNA position 2257, C replaced by A.
Protein change: p.Arg753Ser; replaces arginine 753 with serine.
Molecular consequence: missense variant.
Genome position (GRCh38, 1-based): chr18:27,983,036, G>T on the plus strand (C>A on the coding strand, the complement: CDH2 is on the minus strand). VCF-style: chr18-27983036-G-T. GRCh37 (hg19) VCF-style: chr18-25563000-G-T.
Other names: c.2164C>A, p.Arg722Ser (NM_001308176.2); short protein forms R722S, R753S.
Identifiers: ClinVar variation 3688949 (VCV003688949.2).